The following is an entry in ClinVar:

ClinVar aggregate classification (germline): Conflicting classifications of pathogenicity. Review status: criteria provided, conflicting classifications (1 of 4 stars). 3 submissions from 3 submitters: Uncertain significance (1); Likely benign (2). Last evaluated 2025-08-01.

Allele frequency attached by ClinVar (database versions not stated): ESP Exome Variant Server 0.00361; gnomAD exomes 0.00362 and 0.00544; gnomAD 0.00370 and 0.00390; TOPMed 0.00392; ExAC 0.00399; 1000 Genomes Project 0.00140; 1000 Genomes Project 30x 0.00156.

Submissions (9):

CeGaT Center for Human Genetics Tuebingen
Classification: Likely benign. Last evaluated: 2025-08-01. Review status: criteria provided, single submitter. Criteria: CeGaT Center For Human Genetics Tuebingen Variant Classification Criteria Version 2. Collection method: clinical testing. Allele origin: germline. Affected: yes. Observed: 1 variant allele.
Comment: GAL3ST2: BS2

Labcorp Genetics (formerly Invitae), Labcorp
Classification: Likely benign. Last evaluated: 2019-12-31. Review status: criteria provided, single submitter. Criteria: Invitae Variant Classification Sherloc (09022015). Collection method: clinical testing. Allele origin: germline.

Genomic Diagnostic Laboratory, Division of Genomic Diagnostics, Children's Hospital of Philadelphia
Classification: Uncertain significance. Last evaluated: 2015-06-11. Review status: criteria provided, single submitter. Criteria: DGD Variant Analysis Guidelines. Collection method: clinical testing. Allele origin: unknown.

Dr. Peter K. Rogan Lab, Western University
No classification provided (evidence only). Condition: Acute myeloid leukemia. Review status: no classification provided. Collection method: in vitro. Allele origin: not applicable. Functional consequence: retained intron. Not counted in ClinVar's aggregate classification.

Dr. Peter K. Rogan Lab, Western University
No classification provided (evidence only). Condition: Cervical cancer. Review status: no classification provided. Collection method: in vitro. Allele origin: not applicable. Functional consequence: retained intron. Not counted in ClinVar's aggregate classification.

Dr. Peter K. Rogan Lab, Western University
No classification provided (evidence only). Condition: Ovarian serous cystadenocarcinoma. Review status: no classification provided. Collection method: in vitro. Allele origin: not applicable. Functional consequence: retained intron. Not counted in ClinVar's aggregate classification.

Dr. Peter K. Rogan Lab, Western University
No classification provided (evidence only). Condition: Ovarian serous cystadenocarcinoma. Review status: no classification provided. Collection method: in vitro. Allele origin: not applicable. Functional consequence: retained intron. Not counted in ClinVar's aggregate classification.

Dr. Peter K. Rogan Lab, Western University
No classification provided (evidence only). Condition: Ovarian serous cystadenocarcinoma. Review status: no classification provided. Collection method: in vitro. Allele origin: not applicable. Functional consequence: retained intron. Not counted in ClinVar's aggregate classification.

Dr. Peter K. Rogan Lab, Western University
No classification provided (evidence only). Condition: Chronic lymphocytic leukemia/small lymphocytic lymphoma. Review status: no classification provided. Collection method: in vitro. Allele origin: not applicable. Functional consequence: retained intron. Not counted in ClinVar's aggregate classification.

NM_022134.3(GAL3ST2):c.29+1G>A

Gene: GAL3ST2 (galactose-3-O-sulfotransferase 2; plus strand). Cytogenetic location: 2q37.3.
Variant type: single nucleotide variant.
Coding change: c.29+1G>A on transcript NM_022134.3 (MANE Select); the canonical splice donor site of the intron after coding-DNA position 29, G replaced by A.
Molecular consequence: splice donor variant.
Genome position (GRCh38, 1-based): chr2:241,776,985, G>A. VCF-style: chr2-241776985-G-A. GRCh37 (hg19) VCF-style: chr2-242716400-G-A.
Other names: NC_000002.11:g.242716400G>A.
Identifiers: ClinVar variation 218793 (VCV000218793.14), dbSNP rs78620448, ClinGen allele CA249265.